The following is an entry in ClinVar:

ClinVar aggregate classification (germline): Uncertain significance (1 of 4 stars; one submission).

Conditions:
Aortic aneurysm, familial thoracic 8 (AAT8). Identifiers: MedGen C3809513, MONDO:0014187, OMIM 615436.

Allele frequency attached by ClinVar (database versions not stated): gnomAD exomes below 0.00001.
gnomAD v4.1: 5 of 1,612,980 alleles (0.00031%); highest among the groups gnomAD compares: South Asian, 0.0011%; no homozygotes.

Submission:

Labcorp Genetics (formerly Invitae), Labcorp
Classification: Uncertain significance for Aortic aneurysm, familial thoracic 8. Last evaluated: 2022-11-25. Review status: criteria provided, single submitter. Criteria: Invitae Variant Classification Sherloc (09022015). Collection method: clinical testing. Allele origin: germline.
Comment: In summary, the available evidence is currently insufficient to determine the role of this variant in disease. Therefore, it has been classified as a Variant of Uncertain Significance. This sequence change replaces glycine, which is neutral and non-polar, with arginine, which is basic and polar, at codon 387 of the PRKG1 protein (p.Gly387Arg). This variant is present in population databases (no rsID available, gnomAD 0.003%). This variant has not been reported in the literature in individuals affected with PRKG1-related conditions. Algorithms developed to predict the effect of missense changes on protein structure and function are either unavailable or do not agree on the potential impact of this missense change (SIFT: "Deleterious"; PolyPhen-2: "Probably Damaging"; Align-GVGD: "Class C0").

NM_006258.4(PRKG1):c.1159G>A (p.Gly387Arg)

Gene: PRKG1 (protein kinase cGMP-dependent 1; plus strand). Cytogenetic location: 10q21.1.
Variant type: single nucleotide variant.
Coding change: c.1159G>A on transcript NM_006258.4 (MANE Select); coding-DNA position 1159, G replaced by A.
Protein change: p.Gly387Arg; replaces glycine 387 with arginine.
Molecular consequence: missense variant. On other transcripts: 5 prime UTR variant (1).
Genome position (GRCh38, 1-based): chr10:52,251,652, G>A. VCF-style: chr10-52251652-G-A. GRCh37 (hg19) VCF-style: chr10-54011412-G-A.
Other names: c.1114G>A, p.Gly372Arg (NM_001098512.3); c.-51G>A (NM_001374781.1); short protein forms G387R, G372R.
Identifiers: ClinVar variation 2917046 (VCV002917046.3), dbSNP rs1160829232, ClinGen allele CA376534794.
Genomic context (GRCh38, chr10:52,251,652, plus strand): 5'-TTCGCCAACCTGAAGCTGTCTGATTTCAACATCATTGATACCCTTGGAGTTGGAGGTTTC[G>A]GACGAGTAGAACTGGTAGGTGATTGTTCTTTAAATGCTTTTGATCGCCTCTGCTTCCTTT-3'
Protein context (NP_006249.1, residues 377-397): IIDTLGVGGF[Gly387Arg]RVELVQLKSE